The following is an entry in ClinVar:

NM_015272.5(RPGRIP1L):c.1343A>G (p.Tyr448Cys)

Gene: RPGRIP1L (RPGRIP1 like; minus strand). Cytogenetic location: 16q12.2.
Variant type: single nucleotide variant.
Coding change: c.1343A>G on transcript NM_015272.5 (MANE Select); coding-DNA position 1343, A replaced by G.
Protein change: p.Tyr448Cys; replaces tyrosine 448 with cysteine.
Molecular consequence: missense variant.
Genome position (GRCh38, 1-based): chr16:53,658,779, T>C on the plus strand (A>G on the coding strand, the complement: RPGRIP1L is on the minus strand). VCF-style: chr16-53658779-T-C. GRCh37 (hg19) VCF-style: chr16-53692691-T-C.
Other names: c.1343A>G, p.Tyr448Cys (NM_001330538.2, NM_001127897.4, NM_001308334.3); short protein forms Y448C.
Identifiers: ClinVar variation 1381227 (VCV001381227.3), dbSNP rs2151164400, ClinGen allele CA395920110.
Genomic context (GRCh38, chr16:53,658,779, plus strand): 5'-AATATTGAGATAAAAATTCTGAGTTTTATTTCTTAAATAAGGAAATAATTCACCTGGTTG[T>C]ACAATTTTATGCGTTTTTTAAGTTCATCAAGTTGTTGCTTTTGTTCCAGATACTGTAACT-3'
Protein context (NP_056087.2, residues 438-458): LDELKKRIKL[Tyr448Cys]NQENDINADE

ClinVar aggregate classification (germline): Uncertain significance (1 of 4 stars; one submission).

Conditions:
Joubert syndrome. Also called: CEREBELLOPARENCHYMAL DISORDER IV; JOUBERT-BOLTSHAUSER SYNDROME; Familial aplasia of the vermis. Identifiers: Orphanet 475, MedGen C5979921, MONDO:0018772.
Meckel-Gruber syndrome. Also called: DYSENCEPHALIA SPLANCHNOCYSTICA; GRUBER SYNDROME; Dysencephalia splachnocystica. Identifiers: Orphanet 564, MedGen C0265215, MONDO:0018921.

Submission:

Labcorp Genetics (formerly Invitae), Labcorp
Classification: Uncertain significance for Joubert syndrome; Meckel-Gruber syndrome. Last evaluated: 2021-09-15. Review status: criteria provided, single submitter. Criteria: Invitae Variant Classification Sherloc (09022015). Collection method: clinical testing. Allele origin: germline.
Comment: This sequence change replaces tyrosine with cysteine at codon 448 of the RPGRIP1L protein (p.Tyr448Cys). The tyrosine residue is weakly conserved and there is a large physicochemical difference between tyrosine and cysteine. This variant is not present in population databases (ExAC no frequency). This variant has not been reported in the literature in individuals affected with RPGRIP1L-related conditions. Algorithms developed to predict the effect of missense changes on protein structure and function are either unavailable or do not agree on the potential impact of this missense change (SIFT: "Deleterious"; PolyPhen-2: "Benign"; Align-GVGD: "Class C35"). In summary, the available evidence is currently insufficient to determine the role of this variant in disease. Therefore, it has been classified as a Variant of Uncertain Significance.